The following is an entry in ClinVar:

NM_019844.4(SLCO1B3):c.1252T>C (p.Ser418Pro)

Genes: SLCO1B3 (solute carrier organic anion transporter family member 1B3; plus strand), SLCO1B3-SLCO1B7 (SLCO1B3-SLCO1B7 readthrough; plus strand). Cytogenetic location: 12p12.2.
Variant type: single nucleotide variant.
Coding change: c.1252T>C on transcript NM_019844.4 (MANE Select); coding-DNA position 1252, T replaced by C.
Protein change: p.Ser418Pro; replaces serine 418 with proline.
Molecular consequence: missense variant.
Genome position (GRCh38, 1-based): chr12:20,879,552, T>C. VCF-style: chr12-20879552-T-C. GRCh37 (hg19) VCF-style: chr12-21032486-T-C.
Other names: c.1252T>C, p.Ser418Pro (NM_001371097.1); c.1168T>C, p.Ser390Pro (NM_001349920.2); short protein forms S390P, S418P.
Identifiers: ClinVar variation 4981501 (VCV004981501.1).

ClinVar aggregate classification (germline): Uncertain significance (1 of 4 stars; one submission).

Conditions:
SLCO1B3-related disorder. Also called: SLCO1B3-related condition.

gnomAD v4.1: 193 of 1,612,834 alleles (0.012%); highest among the groups gnomAD compares: African/African-American, 0.051%; 1 homozygote.

Submission:

PreventionGenetics, part of Exact Sciences
Classification: Uncertain significance for SLCO1B3-related condition. Last evaluated: 2025-04-23. Review status: criteria provided, single submitter. Criteria: ACMG Guidelines, 2015. Collection method: clinical testing. Allele origin: germline.
Comment: The SLCO1B3 c.1252T>C variant is predicted to result in the amino acid substitution p.Ser418Pro. To our knowledge, this variant has not been reported in the literature. This variant is reported in 0.036% of alleles in individuals of African descent in gnomAD. At this time, the clinical significance of this variant is uncertain due to the absence of conclusive functional and genetic evidence.